The following is an entry in ClinVar:

NM_032578.4(MYPN):c.845_847del (p.Glu282del)

Gene: MYPN (myopalladin; plus strand). Cytogenetic location: 10q21.3.
Variant type: Deletion.
Coding change: c.845_847del on transcript NM_032578.4 (MANE Select); coding-DNA positions 845 to 847, 3 bases deleted (AAG; older notation c.845_847delAAG).
Protein change: p.Glu282del; deletes glutamic acid 282.
Molecular consequence: inframe deletion. On other transcripts: 5 prime UTR variant (1), non-coding transcript variant (1).
Genome position (GRCh38, 1-based): chr10:68,122,283-68,122,285, AAG deleted; deleting any 3 consecutive bases within chr10:68,122,281-68,122,285 gives the same sequence; the c. name uses the placement nearest the transcript's 3' end. VCF-style (leftmost placement, unchanged base first): chr10-68122280-CAGA-C. GRCh37 (hg19) VCF-style: chr10-69882037-CAGA-C.
Other names: c.845_847del, p.Glu282del (NM_001256267.2); c.-278_-276del (NM_001256268.2); short protein forms E282del.
Identifiers: ClinVar variation 859308 (VCV000859308.9), dbSNP rs2042257518, ClinGen allele CA916081584.

ClinVar aggregate classification (germline): Uncertain significance (1 of 4 stars; one submission).

Conditions:
Dilated cardiomyopathy 1KK (CMD1KK). Identifiers: Orphanet 154, Orphanet 75249, MedGen C3714995, MONDO:0014100, OMIM 615248.

Submission:

Labcorp Genetics (formerly Invitae), Labcorp
Classification: Uncertain significance for Dilated cardiomyopathy 1KK. Last evaluated: 2019-02-12. Review status: criteria provided, single submitter. Criteria: Invitae Variant Classification Sherloc (09022015). Collection method: clinical testing. Allele origin: germline.
Comment: In summary, the available evidence is currently insufficient to determine the role of this variant in disease. Therefore, it has been classified as a Variant of Uncertain Significance. Experimental studies and prediction algorithms are not available for this variant, and the functional significance of the affected amino acid(s) is currently unknown. This variant has not been reported in the literature in individuals with MYPN-related conditions. This variant is not present in population databases (ExAC no frequency). This variant, c.845_847del, results in the deletion of 1 amino acid(s) of the MYPN protein (p.Glu282del), but otherwise preserves the integrity of the reading frame.